The following is an entry in ClinVar:

NM_001276345.2(TNNT2):c.173A>G (p.Glu58Gly)

Gene: TNNT2 (troponin T2, cardiac type; minus strand). Cytogenetic location: 1q32.1.
Variant type: single nucleotide variant.
Coding change: c.173A>G on transcript NM_001276345.2 (MANE Select); coding-DNA position 173, A replaced by G.
Protein change: p.Glu58Gly; replaces glutamic acid 58 with glycine.
Molecular consequence: missense variant.
Genome position (GRCh38, 1-based): chr1:201,367,797, T>C on the plus strand (A>G on the coding strand, the complement: TNNT2 is on the minus strand). VCF-style: chr1-201367797-T-C. GRCh37 (hg19) VCF-style: chr1-201336925-T-C.
Other names: c.173A>G, p.Glu58Gly (NM_000364.4, NM_001406723.1); c.143A>G, p.Glu48Gly (NM_001001430.3, NM_001001431.3, NM_001276347.2 and 3 more transcripts); c.128A>G, p.Glu43Gly (NM_001001432.3, NM_001406728.1); c.170A>G, p.Glu57Gly (NM_001276346.2); c.140A>G, p.Glu47Gly (NM_001406725.1); short protein forms E43G, E47G, E48G, E57G, E58G.
Identifiers: ClinVar variation 3075099 (VCV003075099.1), dbSNP rs2527069288, ClinGen allele CA344207054.

ClinVar aggregate classification (germline): Uncertain significance (1 of 4 stars; one submission).

Conditions:
Cardiomyopathy (CMYO). Also called: Cardiomyopathies. Identifiers: Orphanet 167848, MedGen C0878544, MONDO:0004994, HP:0001638. Inheritance: Various modes of inheritance.

Submission:

All of Us Research Program, National Institutes of Health
Classification: Uncertain significance for Cardiomyopathy. Last evaluated: 2023-12-18. Review status: criteria provided, single submitter. Criteria: ACMG Guidelines, 2015. Collection method: clinical testing. Allele origin: germline. Inheritance: Autosomal dominant inheritance. Observed: 1 variant allele, 1 heterozygote.
Comment: This missense variant replaces glutamic acid with glycine at codon 48 of the TNNT2 protein. Computational prediction suggests that this variant may not impact protein structure and function (internally defined REVEL score threshold <= 0.5, PMID: 27666373). To our knowledge, functional studies have not been reported for this variant. This variant has not been reported in individuals affected with TNNT2-related disorders in the literature. This variant has not been identified in the general population by the Genome Aggregation Database (gnomAD). The available evidence is insufficient to determine the role of this variant in disease conclusively. Therefore, this variant is classified as a Variant of Uncertain Significance.

This study involves interpretation of variants in research participants for the purpose of population health screening. Participant phenotype was not available at the time of variant classification. Additional details can be found in publication PMID: 35346344, PMCID: PMC8962531